The following is an entry in ClinVar:

NM_014270.5(SLC7A9):c.469G>A (p.Ala157Thr)

Gene: SLC7A9 (solute carrier family 7 member 9; minus strand). Cytogenetic location: 19q13.11.
Variant type: single nucleotide variant.
Coding change: c.469G>A on transcript NM_014270.5 (MANE Select); coding-DNA position 469, G replaced by A.
Protein change: p.Ala157Thr; replaces alanine 157 with threonine.
Molecular consequence: missense variant.
Genome position (GRCh38, 1-based): chr19:32,864,105, C>T on the plus strand (G>A on the coding strand, the complement: SLC7A9 is on the minus strand). VCF-style: chr19-32864105-C-T. GRCh37 (hg19) VCF-style: chr19-33355011-C-T.
Other names: c.469G>A, p.Ala157Thr (NM_001126335.2, NM_001243036.2); short protein forms A157T.
Identifiers: ClinVar variation 3257158 (VCV003257158.17).
Genomic context (GRCh38, chr19:32,864,105, plus strand): 5'-ACCCTCTGTGCCAGGTCTTTTCTGACCCCTGCCCTGGGCTCAGGTACTCACAGATGGCGG[C>T]GGCGGCCAGGCATTTCACAACGATTTGAGGAGGCTTGCAGCCCACATAGAAGGGCGCACA-3'
Protein context (NP_055085.1, residues 147-167): PQIVVKCLAA[Ala157Thr]AILFISTVNS

ClinVar aggregate classification (germline): Uncertain significance (1 of 4 stars; one submission).

gnomAD v4.1: 39 of 1,613,998 alleles (0.0024%); highest among the groups gnomAD compares: Non-Finnish European, 0.0025%; no homozygotes.

Submission:

CeGaT Center for Human Genetics Tuebingen
Classification: Uncertain significance. Last evaluated: 2024-07-01. Review status: criteria provided, single submitter. Criteria: CeGaT Center For Human Genetics Tuebingen Variant Classification Criteria Version 2. Collection method: clinical testing. Allele origin: germline. Affected: yes. Observed: 1 variant allele.
Comment: SLC7A9: PM2